The following is an entry in ClinVar:

NC_012920.1(MT-CYB):m.15033T>C

Gene: MT-CYB (mitochondrially encoded cytochrome b; plus strand).
Variant type: single nucleotide variant.
Genome position: chrM-15033-T-C.
Identifiers: ClinVar variation 693813 (VCV000693813.1), dbSNP rs1603225033, ClinGen allele CA913172765.

ClinVar aggregate classification (germline): Uncertain significance (1 of 4 stars; one submission).

Conditions:
Leigh syndrome (NULS). Also called: Leigh's necrotizing encephalopathy; Leigh's disease; Leigh's syndrome; LEIGH SYNDROME, NUCLEAR; Leigh Syndrome (mtDNA deletion); Leigh Disease. Identifiers: Orphanet 506, MedGen C2931891, MONDO:0009723, OMIM 256000.

Submission:

Wong Mito Lab, Molecular and Human Genetics, Baylor College of Medicine
Classification: Uncertain significance for Leigh syndrome. Last evaluated: 2019-10-17. Review status: criteria provided, single submitter. Criteria: Modified ACMG Guidelines (Unpublished). Collection method: clinical testing. Allele origin: germline.
Comment: The NC_012920.1:m.15033T>C (YP_003024038.1:p.Leu96Pro) variant in MTCYB gene is interpretated to be a Uncertain Significance variant based on the modified ACMG guidelines (unpublished). This variant meets the following evidence codes: PP7